The following is an entry in ClinVar:

ClinVar aggregate classification (germline): Uncertain significance (1 of 4 stars; one submission).

Conditions:
Hereditary cancer-predisposing syndrome. Also called: Tumor predisposition; Hereditary neoplastic syndrome; Hereditary Cancer Syndrome; Neoplastic Syndromes, Hereditary. Identifiers: Orphanet 140162, MedGen C0027672, MeSH D009386, MONDO:0015356.

gnomAD v4.1: 1 of 1,613,824 alleles (0.000062%); highest among the groups gnomAD compares: Non-Finnish European, 0.000085%; no homozygotes.

Submission:

Ambry Genetics
Classification: Uncertain significance for Hereditary cancer-predisposing syndrome. Last evaluated: 2025-05-22. Review status: criteria provided, single submitter. Criteria: Ambry Variant Classification Scheme 2023. Collection method: clinical testing. Allele origin: germline.
Comment: The p.G151D variant (also known as c.452G>A), located in coding exon 3 of the SMARCA4 gene, results from a G to A substitution at nucleotide position 452. The glycine at codon 151 is replaced by aspartic acid, an amino acid with similar properties. This amino acid position is conserved. In addition, this alteration is predicted to be tolerated by in silico analysis. Based on the available evidence, the clinical significance of this variant remains unclear.

NM_003072.5(SMARCA4):c.452G>A (p.Gly151Asp)

Gene: SMARCA4 (SWI/SNF related BAF chromatin remodeling complex subunit ATPase 4; plus strand). Cytogenetic location: 19p13.2.
Variant type: single nucleotide variant.
Coding change: c.452G>A on transcript NM_003072.5 (MANE Select); coding-DNA position 452, G replaced by A.
Protein change: p.Gly151Asp; replaces glycine 151 with aspartic acid.
Molecular consequence: missense variant. On other transcripts: non-coding transcript variant (1).
Genome position (GRCh38, 1-based): chr19:10,986,285, G>A. VCF-style: chr19-10986285-G-A. GRCh37 (hg19) VCF-style: chr19-11096961-G-A.
Other names: c.452G>A, p.Gly151Asp (NM_001128844.3, NM_001128845.2, NM_001128846.2 and 6 more transcripts); short protein forms G151D.
Identifiers: ClinVar variation 3958474 (VCV003958474.1).